The following is an entry in ClinVar:

NM_003737.4(DCHS1):c.521G>A (p.Arg174His)

Gene: DCHS1 (dachsous cadherin-related 1; minus strand). Cytogenetic location: 11p15.4.
Variant type: single nucleotide variant.
Coding change: c.521G>A on transcript NM_003737.4 (MANE Select); coding-DNA position 521, G replaced by A.
Protein change: p.Arg174His; replaces arginine 174 with histidine.
Molecular consequence: missense variant.
Genome position (GRCh38, 1-based): chr11:6,641,093, C>T on the plus strand (G>A on the coding strand, the complement: DCHS1 is on the minus strand). VCF-style: chr11-6641093-C-T. GRCh37 (hg19) VCF-style: chr11-6662324-C-T.
Other names: short protein forms R174H.
Identifiers: ClinVar variation 1931788 (VCV001931788.6), dbSNP rs374282596, ClinGen allele CA5861141.
Genomic context (GRCh38, chr11:6,641,093, plus strand): 5'-TCCAGCCGGAAGGTCTCTCCAGCCCCATCACCAGATAGCGCATAGCCCTGGGTTCCCAGA[C>T]GCCCAGCATCTGCATCACGAGCAGGCTCCAGTGGGTAGCGGGTGCCAAAAGCTGTATGCT-3'
Protein context (NP_003728.1, residues 164-184): LEPARDADAG[Arg174His]LGTQGYALSG

ClinVar aggregate classification (germline): Conflicting classifications of pathogenicity. Review status: criteria provided, conflicting classifications (1 of 4 stars). 2 submissions from 2 submitters: Uncertain significance (1); Likely benign (1). Last evaluated 2024-10-23.

Conditions:
Inborn genetic diseases. Identifiers: MedGen C0950123, MeSH D030342.

Allele frequency attached by ClinVar (database versions not stated): ExAC 0.00002; gnomAD exomes 0.00002; TOPMed 0.00002; gnomAD 0.00003; ESP Exome Variant Server 0.00015.
gnomAD v4.1: 28 of 1,613,982 alleles (0.0017%); highest among the groups gnomAD compares: Admixed American, 0.0083%; no homozygotes.

Submissions (2):

Labcorp Genetics (formerly Invitae), Labcorp
Classification: Uncertain significance. Last evaluated: 2024-10-23. Review status: criteria provided, single submitter. Criteria: Invitae Variant Classification Sherloc (09022015). Collection method: clinical testing. Allele origin: germline.
Comment: This sequence change replaces arginine, which is basic and polar, with histidine, which is basic and polar, at codon 174 of the DCHS1 protein (p.Arg174His). This variant is present in population databases (rs374282596, gnomAD 0.003%). This variant has not been reported in the literature in individuals affected with DCHS1-related conditions. ClinVar contains an entry for this variant (Variation ID: 1931788). Invitae Evidence Modeling of protein sequence and biophysical properties (such as structural, functional, and spatial information, amino acid conservation, physicochemical variation, residue mobility, and thermodynamic stability) indicates that this missense variant is not expected to disrupt DCHS1 protein function with a negative predictive value of 95%. In summary, the available evidence is currently insufficient to determine the role of this variant in disease. Therefore, it has been classified as a Variant of Uncertain Significance.

Ambry Genetics
Classification: Likely benign for Inborn genetic diseases. Last evaluated: 2022-05-26. Review status: criteria provided, single submitter. Criteria: Ambry Variant Classification Scheme 2023. Collection method: clinical testing. Allele origin: germline.